The following is an entry in ClinVar:

ClinVar aggregate classification (germline): Uncertain significance. Review status: criteria provided, multiple submitters, no conflicts (2 of 4 stars). 2 submissions from 2 submitters: Uncertain significance (2). Last evaluated 2024-12-09.

Conditions:
Inborn genetic diseases. Identifiers: MedGen C0950123, MeSH D030342.

Allele frequency attached by ClinVar (database versions not stated): TOPMed 0.00005.
gnomAD v4.1: 18 of 1,614,026 alleles (0.0011%); highest among the groups gnomAD compares: African/African-American, 0.017%; no homozygotes.

Submissions (2):

Ambry Genetics
Classification: Uncertain significance for Inborn genetic diseases. Last evaluated: 2024-12-09. Review status: criteria provided, single submitter. Criteria: Ambry Variant Classification Scheme 2023. Collection method: clinical testing. Allele origin: germline.
Comment: The p.G552R variant (also known as c.1654G>A), located in coding exon 8 of the MECOM gene, results from a G to A substitution at nucleotide position 1654. The glycine at codon 552 is replaced by arginine, an amino acid with dissimilar properties. This amino acid position is conserved. In addition, this alteration is predicted to be tolerated by in silico analysis. Based on the available evidence, the clinical significance of this variant remains unclear.

Labcorp Genetics (formerly Invitae), Labcorp
Classification: Uncertain significance. Last evaluated: 2024-01-04. Review status: criteria provided, single submitter. Criteria: Invitae Variant Classification Sherloc (09022015). Collection method: clinical testing. Allele origin: germline.
Comment: This sequence change replaces glycine, which is neutral and non-polar, with arginine, which is basic and polar, at codon 364 of the MECOM protein (p.Gly364Arg). This variant is present in population databases (rs746379599, gnomAD 0.02%). This variant has not been reported in the literature in individuals affected with MECOM-related conditions. An algorithm developed to predict the effect of missense changes on protein structure and function (PolyPhen-2) suggests that this variant is likely to be tolerated. In summary, the available evidence is currently insufficient to determine the role of this variant in disease. Therefore, it has been classified as a Variant of Uncertain Significance.

NM_004991.4(MECOM):c.1654G>A (p.Gly552Arg)

Gene: MECOM (MDS1 and EVI1 complex locus; minus strand). Cytogenetic location: 3q26.2.
Variant type: single nucleotide variant.
Coding change: c.1654G>A on transcript NM_004991.4 (MANE Select); coding-DNA position 1654, G replaced by A.
Protein change: p.Gly552Arg; replaces glycine 552 with arginine.
Molecular consequence: missense variant. On other transcripts: intron variant (2).
Genome position (GRCh38, 1-based): chr3:169,116,218, C>T on the plus strand (G>A on the coding strand, the complement: MECOM is on the minus strand). VCF-style: chr3-169116218-C-T. GRCh37 (hg19) VCF-style: chr3-168834006-C-T.
Other names: c.1654G>A (NM_004991.3); c.1285G>A, p.Gly429Arg (NM_001105077.4); c.1090G>A, p.Gly364Arg (NM_001105078.4, NM_001164000.2, NM_001205194.2 and 4 more transcripts); c.1093G>A, p.Gly365Arg (NM_001163999.2, NM_001366467.2, NM_001366468.2 and 1 more transcripts); c.1654G>A, p.Gly552Arg (NM_001366466.2); c.1133-451G>A (NM_001366473.2); c.569-451G>A (NM_001366474.2); short protein forms G552R, G364R, G365R, G429R.
Identifiers: ClinVar variation 2719025 (VCV002719025.4), dbSNP rs746379599, ClinGen allele CA2696305.